The following is an entry in ClinVar:

NM_002519.3(NPAT):c.1705T>A (p.Ser569Thr)

Gene: NPAT (nuclear protein, coactivator of histone transcription; minus strand). Cytogenetic location: 11q22.3.
Variant type: single nucleotide variant.
Coding change: c.1705T>A on transcript NM_002519.3 (MANE Select); coding-DNA position 1705, T replaced by A.
Protein change: p.Ser569Thr; replaces serine 569 with threonine.
Molecular consequence: missense variant.
Genome position (GRCh38, 1-based): chr11:108,173,279, A>T on the plus strand (T>A on the coding strand, the complement: NPAT is on the minus strand). VCF-style: chr11-108173279-A-T. GRCh37 (hg19) VCF-style: chr11-108044006-A-T.
Other names: c.1705T>A, p.Ser569Thr (NM_001321307.1); short protein forms S569T.
Identifiers: ClinVar variation 1778441 (VCV001778441.2), dbSNP rs902362311, ClinGen allele CA382514544.

ClinVar aggregate classification (germline): Uncertain significance (1 of 4 stars; one submission).

Submission:

Ambry Genetics
Classification: Uncertain significance. Last evaluated: 2022-03-23. Review status: criteria provided, single submitter. Criteria: Ambry Variant Classification Scheme 2023. Collection method: clinical testing. Allele origin: germline.
Comment: The p.S569T variant (also known as c.1705T>A), located in coding exon 13 of the NPAT gene, results from a T to A substitution at nucleotide position 1705. The serine at codon 569 is replaced by threonine, an amino acid with similar properties. This amino acid position is conserved. In addition, this alteration is predicted to be tolerated by in silico analysis. Since supporting evidence is limited at this time, the clinical significance of this alteration remains unclear.